The following is an entry in ClinVar:

ClinVar aggregate classification (germline): Likely benign. Review status: criteria provided, single submitter (1 of 4 stars). 2 submissions from 2 submitters: Likely benign (1). 1 of the submissions does not count toward it. Last evaluated 2024-08-16.

Conditions:
TBX3-related disorder. Also called: TBX3-related condition.
Ulnar-mammary syndrome (UMS). Also called: Ulnar-mammary syndrome of Pallister; PALLISTER ULNAR-MAMMARY SYNDROME; SCHINZEL SYNDROME. Identifiers: Orphanet 3138, MedGen C1866994, MONDO:0008411, OMIM 181450.

Allele frequency attached by ClinVar (database versions not stated): ExAC 0.00001; gnomAD 0.00001; gnomAD exomes 0.00002; TOPMed 0.00002.
gnomAD v4.1: 35 of 1,613,980 alleles (0.0022%); highest among the groups gnomAD compares: Non-Finnish European, 0.0027%; no homozygotes.

Submissions (2):

Labcorp Genetics (formerly Invitae), Labcorp
Classification: Likely benign for Ulnar-mammary syndrome. Last evaluated: 2024-08-16. Review status: criteria provided, single submitter. Criteria: Invitae Variant Classification Sherloc (09022015). Collection method: clinical testing. Allele origin: germline.

PreventionGenetics, part of Exact Sciences
Classification: Likely benign for TBX3-related condition. Last evaluated: 2022-08-17. Review status: no assertion criteria provided. Collection method: clinical testing. Allele origin: germline. Not counted in ClinVar's aggregate classification.
Comment: This variant is classified as likely benign based on ACMG/AMP sequence variant interpretation guidelines (Richards et al. 2015 PMID: 25741868, with internal and published modifications).

NM_005996.4(TBX3):c.828C>T (p.Asn276=)

Gene: TBX3 (T-box transcription factor 3; minus strand). Cytogenetic location: 12q24.21.
Variant type: single nucleotide variant.
Coding change: c.828C>T on transcript NM_005996.4 (MANE Select); coding-DNA position 828, C replaced by T.
Protein change: p.Asn276=; no amino-acid change (asparagine 276 retained).
Molecular consequence: synonymous variant.
Genome position (GRCh38, 1-based): chr12:114,677,633, G>A on the plus strand (C>T on the coding strand, the complement: TBX3 is on the minus strand). VCF-style: chr12-114677633-G-A. GRCh37 (hg19) VCF-style: chr12-115115438-G-A.
Other names: c.888C>T, p.Asn296= (NM_016569.4).
Identifiers: ClinVar variation 3043032 (VCV003043032.4), dbSNP rs778214854, ClinGen allele CA6810078.